The following is an entry in ClinVar:

ClinVar aggregate classification (germline): Uncertain significance (1 of 4 stars; one submission).

Submission:

Labcorp Genetics (formerly Invitae), Labcorp
Classification: Uncertain significance. Last evaluated: 2024-05-28. Review status: criteria provided, single submitter. Criteria: Invitae Variant Classification Sherloc (09022015). Collection method: clinical testing. Allele origin: germline.
Comment: This sequence change falls in intron 2 of the CACNA1E gene. It does not directly change the encoded amino acid sequence of the CACNA1E protein. It affects a nucleotide within the consensus splice site. This variant is not present in population databases (gnomAD no frequency). This variant has not been reported in the literature in individuals affected with CACNA1E-related conditions. Variants that disrupt the consensus splice site are a relatively common cause of aberrant splicing (PMID: 17576681, 9536098). Experimental studies and prediction algorithms are not available or were not evaluated, and the effect of this variant on mRNA splicing is currently unknown. In summary, the available evidence is currently insufficient to determine the role of this variant in disease. Therefore, it has been classified as a Variant of Uncertain Significance.

Literature cited by the submitters: PubMed 17576681; PubMed 9536098.

NM_001205293.3(CACNA1E):c.372+5_372+18del

Gene: CACNA1E (calcium voltage-gated channel subunit alpha1 E; plus strand). Cytogenetic location: 1q25.3.
Variant type: Deletion.
Coding change: c.372+5_372+18del on transcript NM_001205293.3 (MANE Select); bases 5 to 18 of the intron after coding-DNA position 372, 14 bases deleted (GTGATTCCCCTCCT).
Molecular consequence: intron variant.
Genome position (GRCh38, 1-based): chr1:181,510,587-181,510,600, GTGATTCCCCTCCT deleted; deleting any 14 consecutive bases within chr1:181,510,586-181,510,600 gives the same sequence; the c. name uses the placement nearest the transcript's 3' end. VCF-style (leftmost placement, unchanged base first): chr1-181510585-ATGTGATTCCCCTCC-A. GRCh37 (hg19) VCF-style: chr1-181479721-ATGTGATTCCCCTCC-A.
Other names: c.372+5_372+18del (NM_000721.4, NM_001205294.2).
Identifiers: ClinVar variation 3654865 (VCV003654865.2).
Genomic context (GRCh38, chr1:181,510,585, plus strand): 5'-CCTGGCCCTGGAGCAGCATCTTCCTGAGGATGACAAGACCCCCATGTCCCGAAGACTGGT[ATGTGATTCCCCTCC>A]TTCTCCCCTTTGCCCCTTTTGTCTTTCTTGGTTTCTTCTCCTCTGCTTTATCACTCTCCC-3'